The following is an entry in ClinVar:

ClinVar aggregate classification (germline): Pathogenic/Likely pathogenic. Review status: criteria provided, multiple submitters, no conflicts (2 of 4 stars). 3 submissions from 3 submitters: Pathogenic (2); Likely pathogenic (1). Last evaluated 2024-11-07.

Conditions:
Cardiovascular phenotype. Identifiers: MedGen CN230736.
Danon disease. Also called: PSEUDOGLYCOGENOSIS II; Glycogen Storage Disease Type IIb; ANTOPOL DISEASE; GSD IIb; LYSOSOMAL GLYCOGEN STORAGE DISEASE WITHOUT ACID MALTASE DEFICIENCY. Identifiers: Orphanet 34587, MedGen C0878677, MONDO:0010281, OMIM 300257.
Hypertrophic cardiomyopathy. Also called: HYPERTROPHIC MYOCARDIOPATHY. Identifiers: Orphanet 217569, MedGen C0007194, MeSH D002312, MONDO:0005045, HP:0001639.

Submissions (4):

Labcorp Genetics (formerly Invitae), Labcorp
Classification: Pathogenic for Danon disease. Last evaluated: 2024-11-07. Review status: criteria provided, single submitter. Criteria: Invitae Variant Classification Sherloc (09022015). Collection method: clinical testing. Allele origin: germline.
Comment: This sequence change affects a donor splice site in intron 2 of the LAMP2 gene. It is expected to disrupt RNA splicing. Variants that disrupt the donor or acceptor splice site typically lead to a loss of protein function (PMID: 16199547), and loss-of-function variants in LAMP2 are known to be pathogenic (PMID: 21415759). This variant is not present in population databases (gnomAD no frequency). Disruption of this splice site has been observed in individuals with Danon disease and hypertrophic cardiomyopathy (PMID: 21415759, 27532257; internal data). ClinVar contains an entry for this variant (Variation ID: 163816). Algorithms developed to predict the effect of sequence changes on RNA splicing suggest that this variant may disrupt the consensus splice site. For these reasons, this variant has been classified as Pathogenic.

Ambry Genetics
Classification: Likely pathogenic for Cardiovascular phenotype. Last evaluated: 2024-08-28. Review status: criteria provided, single submitter. Criteria: Ambry Variant Classification Scheme 2023. Collection method: clinical testing. Allele origin: germline.
Comment: The c.183+1G>A intronic variant results from a G to A substitution one nucleotide after coding exon 2 of the LAMP2 gene. In silico splice site analysis predicts that this alteration will weaken the native splice donor site. The stop codon in the predicted resulting transcript occurs in the 5' end ofthe LAMP2 gene. As such, this alteration may escape nonsense-mediated mRNAdecay and/or be prone to rescue by reinitiation (Rivas et al. Science. 2015 May 8;348(6235):666-9; Lindeboom et al. Nat Genet. 2016 Oct;48(10):1112-8; Rhee et al. Sci Rep. 2017 May 10;7(1):1653). The exact functional effect of this alteration is unknown; however, the impacted region is critical for protein function (Ambry internal data). This variant has been previously reported in a cohort of patients reported to have Danon disease, and in a hypertrophic cardiomyopathy cohort (Boucek D et al. Genet Med, 2011 Jun;13:563-8; Walsh R et al. Genet Med, 2017 Feb;19:192-203). This variant is considered to be rare based on population cohorts in the Genome Aggregation Database (gnomAD). This nucleotide position is highly conserved in available vertebrate species. Based on the majority of available evidence to date, this variant is likely to be pathogenic.

Laboratory for Molecular Medicine, Mass General Brigham Personalized Medicine
Classification: Pathogenic for Hypertrophic cardiomyopathy. Last evaluated: 2020-09-30. Review status: criteria provided, single submitter. Criteria: LMM Criteria. Collection method: clinical testing. Allele origin: germline. Inheritance: X-linked inheritance. Observed: 2 variant alleles.
Comment: The c.183+1G>A variant in LAMP2 has been reported in at least 4 individuals with clinical features of Danon disease, including a reportedly de novo occurrence (Boucek 2011 PMID: 21415759, Alfares 2015 PMID: 25611685; Walsh 2017 PMID: 27532257; LMM internal data; Invitae pers. comm.). This variant has also been reported by other clinical laboratories in ClinVar (Variation ID 163816) and was absent from large population studies. This variant occurs within the canonical splice site (+/- 1,2) and is predicted to cause altered splicing leading to an abnormal or absent protein. Loss of function of the LAMP2 gene is an established disease mechanism in X-linked Danon disease. In summary, this variant meets criteria to be classified as pathogenic for X-linked Danon disease. ACMG/AMP Criteria applied: PVS1_Strong, PM2, PM6, PS4_Moderate.

Dr. Peter K. Rogan Lab, Western University
No classification provided (evidence only). Condition: Nonpapillary renal cell carcinoma. Review status: no classification provided. Collection method: in vitro. Allele origin: not applicable. Functional consequence: retained intron. Not counted in ClinVar's aggregate classification.

Literature cited by the submitters: PubMed 16199547 (cited by Labcorp Genetics (formerly Invitae), Labcorp); PubMed 21415759 (cited by 3 submitters); PubMed 27532257 (cited by 3 submitters); PubMed 25611685 (cited by Laboratory for Molecular Medicine, Mass General Brigham Personalized Medicine); PubMed 25525159 (cited by Laboratory for Molecular Medicine, Mass General Brigham Personalized Medicine).

NM_002294.3(LAMP2):c.183+1G>A

Gene: LAMP2 (lysosome associated membrane protein 2; minus strand). Cytogenetic location: Xq24.
Variant type: single nucleotide variant.
Coding change: c.183+1G>A on transcript NM_002294.3 (MANE Select); the canonical splice donor site of the intron after coding-DNA position 183, G replaced by A.
Molecular consequence: splice donor variant.
Genome position (GRCh38, 1-based): chrX:120,456,650, C>T on the plus strand (G>A on the coding strand, the complement: LAMP2 is on the minus strand). VCF-style: chrX-120456650-C-T. GRCh37 (hg19) VCF-style: chrX-119590505-C-T.
Other names: c.183+1G>A (NM_001122606.1, NM_013995.2).
Identifiers: ClinVar variation 163816 (VCV000163816.19), dbSNP rs727503120, ClinGen allele CA176521.
Genomic context (GRCh38, chrX:120,456,650, plus strand): 5'-AGGATAAAGTCAATTAAATTCCTACTATAAAACTCAAAGAAAAATTAAAATATATACTTA[C>T]ATAAGTTTTATTTGTAGTTTCATAGCGTACTGTGAAATTCATCTGCCATTTTGCATAAAG-3'